The following is an entry in ClinVar:

NM_004168.4(SDHA):c.676A>T (p.Met226Leu)

Gene: SDHA (succinate dehydrogenase complex flavoprotein subunit A; plus strand). Cytogenetic location: 5p15.33.
Variant type: single nucleotide variant.
Coding change: c.676A>T on transcript NM_004168.4 (MANE Select); coding-DNA position 676, A replaced by T.
Protein change: p.Met226Leu; replaces methionine 226 with leucine.
Molecular consequence: missense variant.
Genome position (GRCh38, 1-based): chr5:228,239, A>T. VCF-style: chr5-228239-A-T. GRCh37 (hg19) VCF-style: chr5-228354-A-T.
Other names: c.532A>T, p.Met178Leu (NM_001294332.2); c.676A>T, p.Met226Leu (NM_001330758.2); short protein forms M178L, M226L.
Identifiers: ClinVar variation 642985 (VCV000642985.9), dbSNP rs1579391135, ClinGen allele CA359010911.

ClinVar aggregate classification (germline): Uncertain significance (1 of 4 stars; one submission).

Conditions:
Pheochromocytoma/paraganglioma syndrome 5. Also called: Paragangliomas 5; SDHA-Related Hereditary Paraganglioma-Pheochromocytoma Syndrome. Identifiers: Orphanet 29072, MedGen C3279992, MONDO:0013602, OMIM 614165.
Mitochondrial complex II deficiency, nuclear type 1. Also called: SUCCINATE CoQ REDUCTASE DEFICIENCY. Identifiers: Orphanet 3208, MedGen C5700310, MONDO:0100294, OMIM 252011.

Submission:

Labcorp Genetics (formerly Invitae), Labcorp
Classification: Uncertain significance for Pheochromocytoma/paraganglioma syndrome 5; Mitochondrial complex II deficiency, nuclear type 1. Last evaluated: 2025-02-25. Review status: criteria provided, single submitter. Criteria: Invitae Variant Classification Sherloc (09022015). Collection method: clinical testing. Allele origin: germline.
Comment: This sequence change replaces methionine, which is neutral and non-polar, with leucine, which is neutral and non-polar, at codon 226 of the SDHA protein (p.Met226Leu). This variant is not present in population databases (gnomAD no frequency). This variant has not been reported in the literature in individuals affected with SDHA-related conditions. ClinVar contains an entry for this variant (Variation ID: 642985). Invitae Evidence Modeling of protein sequence and biophysical properties (such as structural, functional, and spatial information, amino acid conservation, physicochemical variation, residue mobility, and thermodynamic stability) indicates that this missense variant is not expected to disrupt SDHA protein function with a negative predictive value of 95%. In summary, the available evidence is currently insufficient to determine the role of this variant in disease. Therefore, it has been classified as a Variant of Uncertain Significance.